The following is an entry in ClinVar:

ClinVar aggregate classification (germline): Pathogenic/Likely pathogenic. Review status: criteria provided, multiple submitters, no conflicts (2 of 4 stars). 4 submissions from 4 submitters: Pathogenic (2); Likely pathogenic (1). 1 of the submissions does not count toward it. Last evaluated 2026-01-20.

Conditions:
Likely inborn error of metabolism.
Ornithine carbamoyltransferase deficiency (OTCD). Also called: ORNITHINE TRANSCARBAMYLASE DEFICIENCY, HYPERAMMONEMIA DUE TO; ORNITHINE TRANSCARBAMYLASE DEFICIENCY; OTC DEFICIENCY; Ornithine Carbamoyltransferase Deficiency Disease. Identifiers: Orphanet 664, MedGen C0268542, MONDO:0010703, OMIM 311250.

Submissions (4):

Genetics Laboratory, Great Ormond Street Hospital NHS Foundation Trust, North Thames Genomic Laboratory Hub
Classification: Likely pathogenic for Likely inborn error of metabolism. Last evaluated: 2026-01-20. Review status: criteria provided, single submitter. Criteria: ACGS Best Practice Guidelines for Variant Classification in Rare Disease 2024 v1.2. Collection method: clinical testing. Allele origin: germline. Affected: yes.
Comment: PS4_moderate, PM2_moderate, PP3_supporting, PP4_moderate

GeneDx
Classification: Pathogenic. Last evaluated: 2024-08-30. Review status: criteria provided, single submitter. Criteria: GeneDx Variant Classification Process June 2021. Collection method: clinical testing. Allele origin: germline. Affected: yes.
Comment: Published functional studies supports this variant is associated with impaired OTC activity (PMID: 37146589); In silico analysis supports that this missense variant has a deleterious effect on protein structure/function; Not observed at significant frequency in large population cohorts (gnomAD); This variant is associated with the following publications: (PMID: 9266388, 10946359, 28324312, 17565723, 33190319, 37146589)

Labcorp Genetics (formerly Invitae), Labcorp
Classification: Pathogenic for Ornithine carbamoyltransferase deficiency. Last evaluated: 2022-11-30. Review status: criteria provided, single submitter. Criteria: Invitae Variant Classification Sherloc (09022015). Collection method: clinical testing. Allele origin: germline.
Comment: For these reasons, this variant has been classified as Pathogenic. Advanced modeling of protein sequence and biophysical properties (such as structural, functional, and spatial information, amino acid conservation, physicochemical variation, residue mobility, and thermodynamic stability) performed at Invitae indicates that this missense variant is expected to disrupt OTC protein function. ClinVar contains an entry for this variant (Variation ID: 97195). This missense change has been observed in individual(s) with ornithine transcarbamylase deficiency (PMID: 9266388, 17565723, 33190319; Invitae). This variant is not present in population databases (gnomAD no frequency). This sequence change replaces leucine, which is neutral and non-polar, with serine, which is neutral and polar, at codon 139 of the OTC protein (p.Leu139Ser).

GenMed Metabolism Lab
Classification: Pathogenic. Review status: no assertion criteria provided. Collection method: not provided. Allele origin: unknown. Not counted in ClinVar's aggregate classification.
ClinVar note: Converted during submission from pathogenic to Pathogenic.

Literature cited by the submitters: PubMed 9266388 (cited by Labcorp Genetics (formerly Invitae), Labcorp); PubMed 17565723 (cited by Labcorp Genetics (formerly Invitae), Labcorp); PubMed 33190319 (cited by Labcorp Genetics (formerly Invitae), Labcorp).

NM_000531.6(OTC):c.416T>C (p.Leu139Ser)

Gene: OTC (ornithine transcarbamylase; plus strand). Cytogenetic location: Xp11.4.
Variant type: single nucleotide variant.
Coding change: c.416T>C on transcript NM_000531.6 (MANE Select); coding-DNA position 416, T replaced by C.
Protein change: p.Leu139Ser; replaces leucine 139 with serine.
Molecular consequence: missense variant.
Genome position (GRCh38, 1-based): chrX:38,401,304, T>C. VCF-style: chrX-38401304-T-C. GRCh37 (hg19) VCF-style: chrX-38260557-T-C.
Other names: short protein forms L139S.
Identifiers: ClinVar variation 97195 (VCV000097195.7), dbSNP rs72556259, ClinGen allele CA224594.